The following is an entry in ClinVar:

ClinVar aggregate classification (germline): Pathogenic. Review status: criteria provided, multiple submitters, no conflicts (2 of 4 stars). 6 submissions from 5 submitters: Pathogenic (5). 1 of the submissions does not count toward it. Last evaluated 2021-10-01.
ClinVar aggregate classification (oncogenicity): Oncogenic (1 of 4 stars; one submission).

Conditions:
WHIM syndrome 1 (WHIMS). Identifiers: Orphanet 51636, MedGen C5542296, MONDO:8000006, OMIM 193670.
Warts, hypogammaglobulinemia, infections, and myelokathexis. Also called: WHIM syndrome. Identifiers: MedGen C0472817, MONDO:0023880.
Neoplasm. Also called: Neoplasms; Neoplasm (disease); tumor. Identifiers: MedGen C0027651, MeSH D009369, MONDO:0005070, HP:0002664.

Submissions (7):

Center for Genomic Medicine, Rigshospitalet, Copenhagen University Hospital
Classification: Oncogenic for Neoplasm. Last evaluated: 2026-10-16. Review status: criteria provided, single submitter. Criteria: ClinGen/CGC/VICC Guidelines for Oncogenicity, 2022. Collection method: clinical testing. Allele origin: somatic. Affected: yes.

Fulgent Genetics
Classification: Pathogenic for WHIM syndrome 1. Last evaluated: 2021-10-01. Review status: criteria provided, single submitter. Criteria: ACMG Guidelines, 2015. Collection method: clinical testing. Allele origin: unknown.

ARUP Laboratories, Molecular Genetics and Genomics, ARUP Laboratories
Classification: Pathogenic. Last evaluated: 2019-12-23. Review status: criteria provided, single submitter. Criteria: ARUP Molecular Germline Variant Investigation Process. Collection method: clinical testing. Allele origin: germline.
Comment: The CXCR4 c.1013C>G; p.Ser338Ter variant (rs104893626) is reported in the literature in several individuals affected with WHIM syndrome (Alapi 2007, Balabanian 2005, Tassone 2009). In one instance, the variant was observed in an affected proband but was absent from both parents, suggesting a de novo origin (Alapi 2007). This variant is absent from general population databases (Exome Variant Server, Genome Aggregation Database), indicating it is not a common polymorphism. This variant results in a premature termination codon in the last exon of the CXCR4 gene. While this may not lead to nonsense-mediated decay, it is expected to truncate 15 amino acids from the C-terminal domain, including several residues functionally critical for receptor internalization (Orsini 1999). Indeed, functional characterization of patient cells or cultured cells expressing the p.Ser338Ter variant suggests the variant protein exhibits defective internalization, aberrant interactions with binding partners, and increased signaling activity (Balabanian 2005, Lagane 2008, Tassone 2009). Based on available information, the p.Ser338Ter variant is considered to be pathogenic. References: Alapi K et al. Recurrent CXCR4 sequence variation in a girl with WHIM syndrome. Eur J Haematol. 2007 Jan;78(1):86-8. Balabanian K et al. WHIM syndromes with different genetic anomalies are accounted for by impaired CXCR4 desensitization to CXCL12. Blood. 2005 Mar 15;105(6):2449-57. Lagane B et al. CXCR4 dimerization and beta-arrestin-mediated signaling account for the enhanced chemotaxis to CXCL12 in WHIM syndrome. Blood. 2008 Jul 1;112(1):34-44. Orsini MJ et al. Trafficking of the HIV coreceptor CXCR4. Role of arrestins and identification of residues in the c-terminal tail that mediate receptor internalization. J Biol Chem. 1999 Oct 22;274(43):31076-86. Tassone L et al. Clinical and genetic diagnosis of warts, hypogammaglobulinemia, infections, and myelokathexis syndrome in 10 patients. J Allergy Clin Immunol. 2009 May;123(5):1170-3, 1173.e1-3.

GeneDx
Classification: Pathogenic. Last evaluated: 2019-12-09. Review status: criteria provided, single submitter. Criteria: GeneDx Variant Classification Process June 2021. Collection method: clinical testing. Allele origin: germline. Affected: yes.
Comment: Published functional studies demonstrate a damaging effect with delayed or failed receptor internalization (Balabanian et al., 2005); Nonsense variant in the C-terminus predicted to result in protein truncation, as the last 15 amino acids are lost, and other loss-of-function variants have been reported downstream in the Human Gene Mutation Database (Stenson et al., 2014); Not observed in large population cohorts (Lek et al., 2016); This variant is associated with the following publications: (PMID: 26659815, 19321197, 15536153, 23009155, 19878273, 25819228, 25371371, 18436740, 26997321, 17087743)

Center for Genomics, Ann and Robert H. Lurie Children's Hospital of Chicago
Classification: Pathogenic for WHIM syndrome 1. Last evaluated: 2017-11-02. Review status: criteria provided, single submitter. Criteria: ACMG Guidelines, 2015. Collection method: clinical testing. Allele origin: germline.
Comment: CXCR4 NM_003467.2 exon 2 p.Ser338* (c.1013C>G): This variant has been reported in the literature in at least 2 individuals with WHIM syndrome (warts, hypogammaglobulinemia, infection, and myelokathexis), segregating with disease in 1 affected family member (Balabanian 2005 PMID:15536153, Alapi 2007 PMID:17087743, Lagane 2008 PMID:18436740). One of these individuals was found to have this variant de novo. This variant is not present in large control databases. Evolutionary conservation and computational predictive tools for this variant are limited or unavailable. This variant creates a premature stop at this codon which results in an absent or abnormal protein. Loss of function variants have been reported in association with disease for this gene. Additional functional studies have shown a deleterious effect of this variant (Balabanian 2005 PMID:15536153, Lagane 2008 PMID:18436740). In summary, this variant is classified as pathogenic.

Center for Genomics, Ann and Robert H. Lurie Children's Hospital of Chicago
Classification: Pathogenic for WHIM syndrome 1. Review status: criteria provided, single submitter. Criteria: ACMG Guidelines, 2015. Collection method: clinical testing. Allele origin: germline.
Comment: CXCR4 NM_003467 exon 2 p.Ser338* (c.1013C>G): This variant has been reported in the literature in at least 2 individuals with WHIM syndrome (warts, hypogammaglobulinemia, infection, and myelokathexis), segregating with disease in 1 affected family member (Balabanian 2005 PMID:15536153, Alapi 2007 PMID:17087743, Lagane 2008 PMID:18436740). One of these individuals was found to have this variant de novo. This variant is not present in large control databases. Evolutionary conservation and computational predictive tools for this variant are limited or unavailable. This variant creates a premature stop at this codon which results in an absent or abnormal protein. Loss of function variants have been reported in association with disease for this gene. Additional functional studies have shown a deleterious effect of this variant (Balabanian 2005 PMID:15536153, Lagane 2008 PMID:18436740). In summary, this variant is classified as pathogenic.

OMIM
Classification: Pathogenic for WHIM SYNDROME. Last evaluated: 2008-07-01. Review status: no assertion criteria provided. Collection method: literature only. Allele origin: germline. Not counted in ClinVar's aggregate classification.

Literature cited by the submitters: PubMed 15536153 (cited by OMIM); PubMed 23009155 (cited by OMIM); PubMed 18436740 (cited by OMIM).

NM_003467.3(CXCR4):c.1013C>G (p.Ser338Ter)

Gene: CXCR4 (C-X-C motif chemokine receptor 4; minus strand). Cytogenetic location: 2q22.1.
Variant type: single nucleotide variant.
Coding change: c.1013C>G on transcript NM_003467.3 (MANE Select); coding-DNA position 1013, C replaced by G.
Protein change: p.Ser338Ter; replaces serine 338 with a stop codon.
Molecular consequence: nonsense.
Genome position (GRCh38, 1-based): chr2:136,114,915, G>C on the plus strand (C>G on the coding strand, the complement: CXCR4 is on the minus strand). VCF-style: chr2-136114915-G-C. GRCh37 (hg19) VCF-style: chr2-136872485-G-C.
Other names: c.1025C>G, p.Ser342Ter (NM_001008540.2); c.1226C>G, p.Ser409Ter (NM_001348056.2); c.1112C>G, p.Ser371Ter (NM_001348059.2); c.968C>G, p.Ser323Ter (NM_001348060.2); short protein forms S338*, S323*, S371*, S409*, S342*.
Identifiers: ClinVar variation 14023 (VCV000014023.21), dbSNP rs104893626, ClinGen allele CA123717.
Genomic context (GRCh38, chr2:136,114,915, plus strand): 5'-CTTTTACATCTGTGTTAGCTGGAGTGAAAACTTGAAGACTCAGACTCAGTGGAAACAGAT[G>C]AATGTCCACCTCGCTTTCCTTTGGAGAGGATCTTGAGGCTGGACCCTCTGCTCACAGAGG-3'